The following is an entry in ClinVar:

ClinVar aggregate classification (germline): Uncertain significance. Review status: criteria provided, multiple submitters, no conflicts (2 of 4 stars). 2 submissions from 2 submitters: Uncertain significance (2). Last evaluated 2025-06-08.

gnomAD v4.1: 11 of 1,613,874 alleles (0.00068%); no homozygotes.

Submissions (2):

Labcorp Genetics (formerly Invitae), Labcorp
Classification: Uncertain significance. Last evaluated: 2025-06-08. Review status: criteria provided, single submitter. Criteria: Invitae Variant Classification Sherloc (09022015). Collection method: clinical testing. Allele origin: germline.
Comment: This sequence change replaces glutamic acid, which is acidic and polar, with aspartic acid, which is acidic and polar, at codon 410 of the ADCY5 protein (p.Glu410Asp). This variant is present in population databases (rs750821239, gnomAD 0.02%). This variant has not been reported in the literature in individuals affected with ADCY5-related conditions. Invitae Evidence Modeling of protein sequence and biophysical properties (such as structural, functional, and spatial information, amino acid conservation, physicochemical variation, residue mobility, and thermodynamic stability) has been performed for this missense variant. However, the output from this modeling did not meet the statistical confidence thresholds required to predict the impact of this variant on ADCY5 protein function. In summary, the available evidence is currently insufficient to determine the role of this variant in disease. Therefore, it has been classified as a Variant of Uncertain Significance.

GeneDx
Classification: Uncertain significance. Last evaluated: 2025-04-25. Review status: criteria provided, single submitter. Criteria: GeneDx Variant Classification Process June 2021. Collection method: clinical testing. Allele origin: germline. Affected: yes.
Comment: In silico analysis indicates that this missense variant does not alter protein structure/function; Has not been previously published as pathogenic or benign to our knowledge

NM_183357.3(ADCY5):c.1230G>C (p.Glu410Asp)

Gene: ADCY5 (adenylate cyclase 5; minus strand). Cytogenetic location: 3q21.1.
Variant type: single nucleotide variant.
Coding change: c.1230G>C on transcript NM_183357.3 (MANE Select); coding-DNA position 1230, G replaced by C.
Protein change: p.Glu410Asp; replaces glutamic acid 410 with aspartic acid.
Molecular consequence: missense variant.
Genome position (GRCh38, 1-based): chr3:123,352,486, C>G on the plus strand (G>C on the coding strand, the complement: ADCY5 is on the minus strand). VCF-style: chr3-123352486-C-G. GRCh37 (hg19) VCF-style: chr3-123071333-C-G.
Other names: c.180G>C, p.Glu60Asp (NM_001199642.1); c.1230G>C, p.Glu410Asp (NM_001378259.1); short protein forms E410D, E60D.
Identifiers: ClinVar variation 4527334 (VCV004527334.2).